The following is an entry in ClinVar:

NM_000297.4(PKD2):c.1905T>C (p.Thr635=)

Gene: PKD2 (polycystin 2, transient receptor potential cation channel; plus strand). Cytogenetic location: 4q22.1.
Variant type: single nucleotide variant.
Coding change: c.1905T>C on transcript NM_000297.4 (MANE Select); coding-DNA position 1905, T replaced by C.
Protein change: p.Thr635=; no amino-acid change (threonine 635 retained).
Molecular consequence: synonymous variant.
Genome position (GRCh38, 1-based): chr4:88,057,989, T>C. VCF-style: chr4-88057989-T-C. GRCh37 (hg19) VCF-style: chr4-88979141-T-C.
Other names: c.1680T>C, p.Thr560= (NM_001440544.1).
Identifiers: ClinVar variation 4983769 (VCV004983769.1).

ClinVar aggregate classification (germline): Likely benign (1 of 4 stars; one submission).

Conditions:
PKD2-related disorder. Also called: PKD2-related condition.

Submission:

PreventionGenetics, part of Exact Sciences
Classification: Likely benign for PKD2-related condition. Last evaluated: 2024-11-01. Review status: criteria provided, single submitter. Criteria: ACMG Guidelines, 2015. Collection method: clinical testing. Allele origin: germline.
Comment: This variant is classified as likely benign based on ACMG/AMP sequence variant interpretation guidelines (Richards et al. 2015 PMID: 25741868, with internal and published modifications).